The following is an entry in ClinVar:

NC_000017.11:g.(?_58709859)_(58734342_?)del

Gene: RAD51C (RAD51 paralog C; plus strand). Cytogenetic location: 17q22.
Variant type: Deletion.
Identifiers: ClinVar variation 220591 (VCV000220591.1).

ClinVar aggregate classification (germline): Pathogenic (1 of 4 stars; one submission).

Conditions:
Fanconi anemia complementation group O. Also called: RAD51C-Related Fanconi Anemia. Identifiers: Orphanet 84, MedGen C3150653, MONDO:0013248, OMIM 613390.

Submission:

Labcorp Genetics (formerly Invitae), Labcorp
Classification: Pathogenic for Fanconi anemia complementation group O. Last evaluated: 2016-10-12. Review status: criteria provided, single submitter. Criteria: Invitae Variant Classification Sherloc (09022015). Collection method: clinical testing. Allele origin: germline.
Comment: This variant is a gross deletion of the genomic region encompassing exons 5-9 of the RAD51C gene. The 5' boundary is likely confined to the intronic region between exons 4 and 5. The 3' end of this event is unknown as it extends through the termination codon beyond the assayed region for this gene and may encompass additional genes. While this deletion is not predicted to result in nonsense mediated decay, it is expected to create a truncated RAD51C protein. A similar deletion of exons 5-9 has been reported in individuals affected with breast cancer and ovarian cancer (PMID: 24359560). This deletion is predicted to result in the loss of 141 C-terminal amino acid residues of the RAD51C protein, including the nuclear localization signal. In vitro analyses have shown that deletion of the nuclear localization signal leads to improper cellular distribution of the protein and increased sensitivity to DNA cross-linking agents (PMID: 12966089). For these reasons, this variant has been classified as Pathogenic.